The following is an entry in ClinVar:

ClinVar aggregate classification (germline): Uncertain significance (1 of 4 stars; one submission).

Conditions:
Bethlem myopathy 1A. Also called: Bethlem Muscular Dystrophy; Bethlem myopathy 1; MYOPATHY, BENIGN CONGENITAL, WITH CONTRACTURES. Identifiers: Orphanet 610, MedGen CN029274, MONDO:0024530, OMIM 158810.

Allele frequency attached by ClinVar (database versions not stated): TOPMed below 0.00001; gnomAD 0.00001.
gnomAD v4.1: 1 of 1,612,808 alleles (0.000062%); highest among the groups gnomAD compares: Admixed American, 0.0017%; no homozygotes.

Submission:

Labcorp Genetics (formerly Invitae), Labcorp
Classification: Uncertain significance for Bethlem myopathy 1A. Last evaluated: 2026-01-05. Review status: criteria provided, single submitter. Criteria: Invitae Variant Classification Sherloc (09022015). Collection method: clinical testing. Allele origin: germline.
Comment: This sequence change replaces arginine, which is basic and polar, with threonine, which is neutral and polar, at codon 572 of the COL6A2 protein (p.Arg572Thr). This variant is not present in population databases (gnomAD no frequency). This variant has not been reported in the literature in individuals affected with COL6A2-related conditions. ClinVar contains an entry for this variant (Variation ID: 2157753). Invitae Evidence Modeling of protein sequence and biophysical properties (such as structural, functional, and spatial information, amino acid conservation, physicochemical variation, residue mobility, and thermodynamic stability) indicates that this missense variant is not expected to disrupt COL6A2 protein function with a negative predictive value of 80%. In summary, the available evidence is currently insufficient to determine the role of this variant in disease. Therefore, it has been classified as a Variant of Uncertain Significance.

NM_001849.4(COL6A2):c.1715G>C (p.Arg572Thr)

Gene: COL6A2 (collagen type VI alpha 2 chain; plus strand). Cytogenetic location: 21q22.3.
Variant type: single nucleotide variant.
Coding change: c.1715G>C on transcript NM_001849.4 (MANE Select); coding-DNA position 1715, G replaced by C.
Protein change: p.Arg572Thr; replaces arginine 572 with threonine.
Molecular consequence: missense variant.
Genome position (GRCh38, 1-based): chr21:46,124,694, G>C. VCF-style: chr21-46124694-G-C. GRCh37 (hg19) VCF-style: chr21-47544608-G-C.
Other names: c.1715G>C, p.Arg572Thr (NM_058174.3, NM_058175.3); short protein forms R572T.
Identifiers: ClinVar variation 2157753 (VCV002157753.4), dbSNP rs2078632046, ClinGen allele CA410536009.